The following is an entry in ClinVar:

NM_000243.3(MEFV):c.196G>A (p.Ala66Thr)

Gene: MEFV (MEFV innate immunity regulator, pyrin; minus strand). Cytogenetic location: 16p13.3.
Variant type: single nucleotide variant.
Coding change: c.196G>A on transcript NM_000243.3 (MANE Select); coding-DNA position 196, G replaced by A.
Protein change: p.Ala66Thr; replaces alanine 66 with threonine.
Molecular consequence: missense variant.
Genome position (GRCh38, 1-based): chr16:3,256,392, C>T on the plus strand (G>A on the coding strand, the complement: MEFV is on the minus strand). VCF-style: chr16-3256392-C-T. GRCh37 (hg19) VCF-style: chr16-3306392-C-T.
Other names: c.196G>A, p.Ala66Thr (NM_001198536.2); short protein forms A66T.
Identifiers: ClinVar variation 2415974 (VCV002415974.2), dbSNP rs765151968, ClinGen allele CA7860512.
Genomic context (GRCh38, chr16:3,256,392, plus strand): 5'-GCTCCTCGGCCAGCAGGCGCTGGTTGATGGCCCGCAGGACCTGCAGGGTGAGCTGCACGG[C>T]GTACTCTTCCCCATAGTAGGTGACCAGCAGAGTGGCCATCTTCACCGGCCTGGCTCTCTG-3'
Protein context (NP_000234.1, residues 56-76): LLVTYYGEEY[Ala66Thr]VQLTLQVLRA

ClinVar aggregate classification (germline): Uncertain significance (1 of 4 stars; one submission).

Conditions:
Familial Mediterranean fever (FMF). Also called: POLYSEROSITIS, FAMILIAL PAROXYSMAL; POLYSEROSITIS, RECURRENT; Periodic peritonitis; Benign paroxysmal peritonitis. Identifiers: Orphanet 342, MedGen C0031069, MONDO:0018088, OMIM 249100. Disease mechanism: gain of function.

Allele frequency attached by ClinVar (database versions not stated): gnomAD exomes 0.00001; gnomAD 0.00001; ExAC 0.00002.
gnomAD v4.1: 10 of 1,613,932 alleles (0.00062%); highest among the groups gnomAD compares: Admixed American, 0.005%; no homozygotes.

Submission:

Labcorp Genetics (formerly Invitae), Labcorp
Classification: Uncertain significance for Familial Mediterranean fever. Last evaluated: 2021-08-27. Review status: criteria provided, single submitter. Criteria: Invitae Variant Classification Sherloc (09022015). Collection method: clinical testing. Allele origin: germline.
Comment: This sequence change replaces alanine with threonine at codon 66 of the MEFV protein (p.Ala66Thr). The alanine residue is moderately conserved and there is a small physicochemical difference between alanine and threonine. This variant is present in population databases (rs765151968, ExAC 0.009%). This variant has not been reported in the literature in individuals affected with MEFV-related conditions. Algorithms developed to predict the effect of missense changes on protein structure and function are either unavailable or do not agree on the potential impact of this missense change (SIFT: "Tolerated"; PolyPhen-2: "Probably Damaging"; Align-GVGD: "Class C0"). In summary, the available evidence is currently insufficient to determine the role of this variant in disease. Therefore, it has been classified as a Variant of Uncertain Significance.